The following is an entry in ClinVar:

ClinVar aggregate classification (germline): Uncertain significance (1 of 4 stars; one submission).

Submission:

Labcorp Genetics (formerly Invitae), Labcorp
Classification: Uncertain significance. Last evaluated: 2024-02-20. Review status: criteria provided, single submitter. Criteria: Invitae Variant Classification Sherloc (09022015). Collection method: clinical testing. Allele origin: germline.
Comment: This sequence change replaces asparagine, which is neutral and polar, with lysine, which is basic and polar, at codon 69 of the ITGB3 protein (p.Asn69Lys). This variant is not present in population databases (gnomAD no frequency). This variant has not been reported in the literature in individuals affected with ITGB3-related conditions. Advanced modeling of protein sequence and biophysical properties (such as structural, functional, and spatial information, amino acid conservation, physicochemical variation, residue mobility, and thermodynamic stability) performed at Invitae indicates that this missense variant is not expected to disrupt ITGB3 protein function with a negative predictive value of 80%. In summary, the available evidence is currently insufficient to determine the role of this variant in disease. Therefore, it has been classified as a Variant of Uncertain Significance.

NM_000212.3(ITGB3):c.207T>A (p.Asn69Lys)

Gene: ITGB3 (integrin subunit beta 3; plus strand). Cytogenetic location: 17q21.32.
Variant type: single nucleotide variant.
Coding change: c.207T>A on transcript NM_000212.3 (MANE Select); coding-DNA position 207, T replaced by A.
Protein change: p.Asn69Lys; replaces asparagine 69 with lysine.
Molecular consequence: missense variant.
Genome position (GRCh38, 1-based): chr17:47,283,395, T>A. VCF-style: chr17-47283395-T-A. GRCh37 (hg19) VCF-style: chr17-45360761-T-A.
Other names: short protein forms N69K.
Identifiers: ClinVar variation 3691312 (VCV003691312.2).